The following is an entry in ClinVar:

ClinVar aggregate classification (germline): Conflicting classifications of pathogenicity. Review status: criteria provided, conflicting classifications (1 of 4 stars). 2 submissions from 2 submitters: Uncertain significance (1); Likely benign (1). Last evaluated 2025-04-11.

Allele frequency attached by ClinVar (database versions not stated): gnomAD 0.00005; TOPMed 0.00007; 1000 Genomes Project 30x 0.00016.
gnomAD v4.1: 115 of 1,523,386 alleles (0.0075%); highest among the groups gnomAD compares: Non-Finnish European, 0.0095%; no homozygotes.

Submissions (2):

Ambry Genetics
Classification: Uncertain significance. Last evaluated: 2025-04-11. Review status: criteria provided, single submitter. Criteria: Ambry Variant Classification Scheme 2023. Collection method: clinical testing. Allele origin: germline.
Comment: Does not currently meet published gene-disease clinical validity criteria Based on insufficient or conflicting evidence, the clinical significance of this alteration remains unclear.

Blueprint Genetics
Classification: Likely benign. Last evaluated: 2024-01-10. Review status: criteria provided, single submitter. Criteria: ACMG Guidelines, 2015. Collection method: clinical testing. Allele origin: germline.

Literature cited by the submitters: PubMed 28106320 (cited by Ambry Genetics).

NM_001134771.2(SLC12A5):c.121+4G>C

Genes: SLC12A5 (solute carrier family 12 member 5; plus strand), SLC12A5-AS1 (SLC12A5 and MMP9 antisense RNA 1; minus strand), LOC130065980 (ATAC-STARR-seq lymphoblastoid silent region 12971; plus strand). Cytogenetic location: 20q13.12.
Variant type: single nucleotide variant.
Coding change: c.121+4G>C on transcript NM_001134771.2; 4 bases into the intron after coding-DNA position 121, G replaced by C.
Molecular consequence: intron variant. On other transcripts: non-coding transcript variant (1).
Genome position (GRCh38, 1-based): chr20:46,021,890, G>C. VCF-style: chr20-46021890-G-C. GRCh37 (hg19) VCF-style: chr20-44650529-G-C.
Identifiers: ClinVar variation 2223814 (VCV002223814.4), dbSNP rs1008393514, ClinGen allele CA315642192.